The following is an entry in ClinVar:

ClinVar aggregate classification (germline): Likely benign (1 of 4 stars; one submission).

gnomAD v4.1: 25 of 1,612,490 alleles (0.0016%); highest among the groups gnomAD compares: Middle Eastern, 0.066%; 1 homozygote.

Submission:

CeGaT Center for Human Genetics Tuebingen
Classification: Likely benign. Last evaluated: 2024-09-01. Review status: criteria provided, single submitter. Criteria: CeGaT Center For Human Genetics Tuebingen Variant Classification Criteria Version 2. Collection method: clinical testing. Allele origin: germline. Affected: yes. Observed: 1 variant allele.
Comment: CUX1: BP4, BP7

NM_001913.5(CUX1):c.1971C>T (p.Phe657=)

Gene: CUX1 (cut like homeobox 1; plus strand). Cytogenetic location: 7q22.1.
Variant type: single nucleotide variant.
Coding change: c.1971C>T on transcript NM_001913.5 (MANE Plus Clinical); coding-DNA position 1971, C replaced by T.
Protein change: p.Phe657=; no amino-acid change (phenylalanine 657 retained).
Molecular consequence: synonymous variant.
Genome position (GRCh38, 1-based): chr7:102,283,024, C>T. VCF-style: chr7-102283024-C-T. GRCh37 (hg19) VCF-style: chr7-101926316-C-T.
Other names: c.1923C>T, p.Phe641= (NM_001202544.3); c.1833C>T, p.Phe611= (NM_001202545.3); c.1854C>T, p.Phe618= (NM_001202546.3); c.1965C>T, p.Phe655= (NM_181500.4).
Identifiers: ClinVar variation 3388963 (VCV003388963.14).